The following is an entry in ClinVar:

NM_001122955.4(BSCL2):c.367A>T (p.Thr123Ser)

Genes: BSCL2 (BSCL2 lipid droplet biogenesis associated, seipin; minus strand), HNRNPUL2-BSCL2 (HNRNPUL2-BSCL2 readthrough (NMD candidate); minus strand). Cytogenetic location: 11q12.3.
Variant type: single nucleotide variant.
Coding change: c.367A>T on transcript NM_001122955.4 (MANE Select); coding-DNA position 367, A replaced by T.
Protein change: p.Thr123Ser; replaces threonine 123 with serine.
Molecular consequence: missense variant. On other transcripts: non-coding transcript variant (1).
Genome position (GRCh38, 1-based): chr11:62,705,338, T>A on the plus strand (A>T on the coding strand, the complement: BSCL2 is on the minus strand). VCF-style: chr11-62705338-T-A. GRCh37 (hg19) VCF-style: chr11-62472810-T-A.
Other names: c.175A>T, p.Thr59Ser (NM_001130702.2, NM_032667.6); c.367A>T, p.Thr123Ser (NM_001386027.1, NM_001386028.1); short protein forms T123S, T59S.
Identifiers: ClinVar variation 1032981 (VCV001032981.7), dbSNP rs1349958377, ClinGen allele CA380970342.

ClinVar aggregate classification (germline): Uncertain significance. Review status: criteria provided, multiple submitters, no conflicts (2 of 4 stars). 4 submissions from 3 submitters: Uncertain significance (4). Last evaluated 2023-05-08.

Conditions:
Charcot-Marie-Tooth disease type 2. Also called: Charcot-Marie-Tooth type 2. Identifiers: Orphanet 64746, MedGen C0270914, MONDO:0018993.
Severe neurodegenerative syndrome with lipodystrophy. Also called: ENCEPHALOPATHY, PROGRESSIVE, WITH LIPODYSTROPHY; Encephalopathy, progressive, with or without lipodystrophy. Identifiers: Orphanet 363400, MedGen C4014700, MONDO:0014402, OMIM 615924.
Congenital generalized lipodystrophy type 2 (CGL2). Also called: BERARDINELLI SYNDROME; BRUNZELL SYNDROME, BSCL2-RELATED; SEIP SYNDROME; Berardinelli-Seip Congenital Lipodystrophy Type 2. Identifiers: Orphanet 528, Orphanet 696289, MedGen C1720863, MONDO:0010020, OMIM 269700.
Neuronopathy, distal hereditary motor, type 5C. Also called: DHMN VC; NEURONOPATHY, DISTAL HEREDITARY MOTOR, HARDING TYPE VC; NEUROPATHY, DISTAL HEREDITARY MOTOR, HARDING TYPE VC; SPINAL MUSCULAR ATROPHY, DISTAL, HARDING TYPE VC; NEURONOPATHY, DISTAL HEREDITARY MOTOR, AUTOSOMAL DOMINANT 13. Identifiers: MedGen C5436838, MONDO:0030860, OMIM 619112.
Hereditary spastic paraplegia 17. Also called: Silver spastic paraplegia syndrome; Spastic Paraplegia 17; Autosomal dominant spastic paraplegia type 17; Silver Syndrome; SPASTIC PARAPLEGIA WITH AMYOTROPHY OF HANDS AND FEET. Identifiers: Orphanet 100998, MedGen C2931276, MONDO:0010043, OMIM 270685.

Allele frequency attached by ClinVar (database versions not stated): TOPMed 0.00001.
gnomAD v4.1: 1 of 1,613,798 alleles (0.000062%); highest among the groups gnomAD compares: Admixed American, 0.0017%; no homozygotes.

Submissions (4):

Baylor Genetics
Classification: Uncertain significance for Congenital generalized lipodystrophy type 2. Last evaluated: 2023-05-08. Review status: criteria provided, single submitter. Criteria: ACMG Guidelines, 2015. Collection method: clinical testing. Allele origin: unknown.

Labcorp Genetics (formerly Invitae), Labcorp
Classification: Uncertain significance for Charcot-Marie-Tooth disease type 2. Last evaluated: 2022-08-24. Review status: criteria provided, single submitter. Criteria: Invitae Variant Classification Sherloc (09022015). Collection method: clinical testing. Allele origin: germline.
Comment: This sequence change replaces threonine, which is neutral and polar, with serine, which is neutral and polar, at codon 59 of the BSCL2 protein (p.Thr59Ser). This variant is present in population databases (no rsID available, gnomAD 0.003%). This variant has not been reported in the literature in individuals affected with BSCL2-related conditions. ClinVar contains an entry for this variant (Variation ID: 1032981). Algorithms developed to predict the effect of missense changes on protein structure and function (SIFT, PolyPhen-2, Align-GVGD) all suggest that this variant is likely to be tolerated. In summary, the available evidence is currently insufficient to determine the role of this variant in disease. Therefore, it has been classified as a Variant of Uncertain Significance.

Fulgent Genetics
Classification: Uncertain significance for Congenital generalized lipodystrophy type 2; Hereditary spastic paraplegia 17; Severe neurodegenerative syndrome with lipodystrophy; Neuronopathy, distal hereditary motor, type 5C. Last evaluated: 2022-05-27. Review status: criteria provided, single submitter. Criteria: ACMG Guidelines, 2015. Collection method: clinical testing. Allele origin: unknown.

Baylor Genetics
Classification: Uncertain significance for Severe neurodegenerative syndrome with lipodystrophy. Last evaluated: 2018-06-11. Review status: criteria provided, single submitter. Criteria: ACMG Guidelines, 2015. Collection method: clinical testing. Allele origin: paternal. Affected: yes.
Comment: This variant was determined to be of uncertain significance according to ACMG Guidelines, 2015 [PMID:25741868].